The following is an entry in ClinVar:

NM_020822.3(KCNT1):c.3494C>T (p.Thr1165Ile)

Gene: KCNT1 (potassium sodium-activated channel subfamily T member 1; plus strand). Cytogenetic location: 9q34.3.
Variant type: single nucleotide variant.
Coding change: c.3494C>T on transcript NM_020822.3 (MANE Select); coding-DNA position 3494, C replaced by T.
Protein change: p.Thr1165Ile; replaces threonine 1165 with isoleucine.
Molecular consequence: missense variant.
Genome position (GRCh38, 1-based): chr9:135,786,513, C>T. VCF-style: chr9-135786513-C-T. GRCh37 (hg19) VCF-style: chr9-138678359-C-T.
Other names: c.3359C>T, p.Thr1120Ile (NM_001272003.2); short protein forms T1165I, T1120I.
Identifiers: ClinVar variation 846898 (VCV000846898.8), dbSNP rs748679465, ClinGen allele CA201424478.
Genomic context (GRCh38, chr9:135,786,513, plus strand): 5'-AGCGCCAGGAGCTCTCCGAGCTGGTGAAGAACCGCATGAAGCACCTGGGGCTGCCCACCA[C>T]CGGCTACGGTAAGGGCACACGGCGCGGGTGGGGGCCGGACGGACGGACTGGGCCAGGGTC-3'
Protein context (NP_065873.2, residues 1155-1175): NRMKHLGLPT[Thr1165Ile]GYDEMNDHQN

ClinVar aggregate classification (germline): Uncertain significance (1 of 4 stars; one submission).

Conditions:
Autosomal dominant nocturnal frontal lobe epilepsy 5. Also called: CILIARY DYSKINESIA, PRIMARY, 28, WITHOUT SITUS INVERSUS; KCNT1-Related Epilepsy; CILIARY DYSKINESIA, PRIMARY, 28, WITH SITUS INVERSUS; Epilepsy, nocturnal frontal lobe, 5. Identifiers: Orphanet 98784, MedGen C3554306, MONDO:0014002, OMIM 615005.
Developmental and epileptic encephalopathy, 14 (DEE14). Also called: Early infantile epileptic encephalopathy 14. Identifiers: Orphanet 293181, MedGen C3554195, MONDO:0013989, OMIM 614959.

Allele frequency attached by ClinVar (database versions not stated): TOPMed 0.00001.
gnomAD v4.1: 2 of 1,593,056 alleles (0.00013%); highest among the groups gnomAD compares: South Asian, 0.0011%; no homozygotes.

Submission:

Labcorp Genetics (formerly Invitae), Labcorp
Classification: Uncertain significance for Autosomal dominant nocturnal frontal lobe epilepsy 5; Developmental and epileptic encephalopathy, 14. Last evaluated: 2025-10-13. Review status: criteria provided, single submitter. Criteria: Invitae Variant Classification Sherloc (09022015). Collection method: clinical testing. Allele origin: germline.
Comment: This sequence change replaces threonine, which is neutral and polar, with isoleucine, which is neutral and non-polar, at codon 1165 of the KCNT1 protein (p.Thr1165Ile). This variant is not present in population databases (gnomAD no frequency). This variant has not been reported in the literature in individuals affected with KCNT1-related conditions. ClinVar contains an entry for this variant (Variation ID: 846898). Invitae Evidence Modeling of protein sequence and biophysical properties (such as structural, functional, and spatial information, amino acid conservation, physicochemical variation, residue mobility, and thermodynamic stability) indicates that this missense variant is not expected to disrupt KCNT1 protein function with a negative predictive value of 80%. In summary, the available evidence is currently insufficient to determine the role of this variant in disease. Therefore, it has been classified as a Variant of Uncertain Significance.